The following is an entry in ClinVar:

ClinVar aggregate classification (germline): Conflicting classifications of pathogenicity. Review status: criteria provided, conflicting classifications (1 of 4 stars). 3 submissions from 3 submitters: Uncertain significance (1); Likely benign (2). Last evaluated 2024-08-19.

Conditions:
Ataxia-telangiectasia syndrome (AT). Also called: Cerebello-oculocutaneous telangiectasia; Immunodeficiency with ataxia telangiectasia; AT, COMPLEMENTATION GROUP C; Ataxia-telangiectasia, complementation group D; LOUIS-BAR SYNDROME; Ataxia-telangiectasia, complementation group E. Identifiers: Orphanet 100, MedGen C0004135, MONDO:0008840, OMIM 208900.
Familial cancer of breast. Also called: BREAST CANCER, FAMILIAL; Hereditary breast cancer; hereditary breast carcinoma. Identifiers: Orphanet 227535, MedGen C0346153, MONDO:0016419, OMIM 114480. Disease mechanism: loss of function.

Allele frequency attached by ClinVar (database versions not stated): gnomAD exomes below 0.00001.
gnomAD v4.1: 1 of 1,613,760 alleles (0.000062%); highest among the groups gnomAD compares: Non-Finnish European, 0.000085%; no homozygotes.

Submissions (3):

Labcorp Genetics (formerly Invitae), Labcorp
Classification: Uncertain significance for Ataxia-telangiectasia syndrome. Last evaluated: 2024-08-19. Review status: criteria provided, single submitter. Criteria: Invitae Variant Classification Sherloc (09022015). Collection method: clinical testing. Allele origin: germline.
Comment: This sequence change falls in intron 29 of the ATM gene. It does not directly change the encoded amino acid sequence of the ATM protein. It affects a nucleotide within the consensus splice site. This variant is not present in population databases (gnomAD no frequency). This variant has not been reported in the literature in individuals affected with ATM-related conditions. ClinVar contains an entry for this variant (Variation ID: 511641). Variants that disrupt the consensus splice site are a relatively common cause of aberrant splicing (PMID: 17576681, 9536098). Algorithms developed to predict the effect of sequence changes on RNA splicing suggest that this variant is not likely to affect RNA splicing. In summary, the available evidence is currently insufficient to determine the role of this variant in disease. Therefore, it has been classified as a Variant of Uncertain Significance.

Myriad Genetics, Inc.
Classification: Likely benign for Familial cancer of breast. Last evaluated: 2024-05-17. Review status: criteria provided, single submitter. Criteria: Myriad Autosomal Dominant, Autosomal Recessive and X-Linked Classification Criteria (2023). Collection method: clinical testing. Allele origin: unknown.
Comment: This variant is considered likely benign. This variant is intronic and is not expected to impact mRNA splicing.

GeneDx
Classification: Likely benign. Last evaluated: 2017-08-21. Review status: criteria provided, single submitter. Criteria: GeneDx Variant Classification (06012015). Collection method: clinical testing. Allele origin: germline. Affected: yes.
Comment: This variant is considered likely benign or benign based on one or more of the following criteria: it is a conservative change, it occurs at a poorly conserved position in the protein, it is predicted to be benign by multiple in silico algorithms, and/or has population frequency not consistent with disease.

Literature cited by the submitters: PubMed 17576681 (cited by Labcorp Genetics (formerly Invitae), Labcorp); PubMed 9536098 (cited by Labcorp Genetics (formerly Invitae), Labcorp).

NM_000051.4(ATM):c.4437-3T>C

Gene: ATM (ATM serine/threonine kinase; plus strand). Cytogenetic location: 11q22.3.
Variant type: single nucleotide variant.
Coding change: c.4437-3T>C on transcript NM_000051.4 (MANE Select); 3 bases into the intron before coding-DNA position 4437, T replaced by C.
Molecular consequence: intron variant.
Genome position (GRCh38, 1-based): chr11:108,292,616, T>C. VCF-style: chr11-108292616-T-C. GRCh37 (hg19) VCF-style: chr11-108163343-T-C.
Other names: c.4437-3T>C (NM_001351834.2).
Identifiers: ClinVar variation 511641 (VCV000511641.4), dbSNP rs1555099722, ClinGen allele CA658795366.
Genomic context (GRCh38, chr11:108,292,616, plus strand): 5'-TTATTTCAGAGTAATTTTCCAGAACTTACTGGTTGTTGTTGTTTTTTTTTCTCCCTATAT[T>C]AGGCCTTCTTGTATCATGGATGTGTCATTACGTAGCTTCTCCCTTTGTTGTGACTTATTA-3'